The following is an entry in ClinVar:

ClinVar aggregate classification (germline): Uncertain significance (1 of 4 stars; one submission).

Submission:

GeneDx
Classification: Uncertain significance. Last evaluated: 2026-02-04. Review status: criteria provided, single submitter. Criteria: GeneDx Variant Classification Process June 2021. Collection method: clinical testing. Allele origin: germline.
Comment: Not observed at significant frequency in large population cohorts (gnomAD); In silico analysis supports that this missense variant has a deleterious effect on protein structure/function; Has not been previously published as pathogenic or benign to our knowledge; This substitution is predicted to be within the transmembrane segment S6 of the fourth homologous domain

NM_001330260.2(SCN8A):c.5256C>G (p.Ile1752Met)

Gene: SCN8A (sodium voltage-gated channel alpha subunit 8; plus strand). Cytogenetic location: 12q13.13.
Variant type: single nucleotide variant.
Coding change: c.5256C>G on transcript NM_001330260.2 (MANE Select); coding-DNA position 5256, C replaced by G.
Protein change: p.Ile1752Met; replaces isoleucine 1752 with methionine.
Molecular consequence: missense variant.
Genome position (GRCh38, 1-based): chr12:51,806,742, C>G. VCF-style: chr12-51806742-C-G. GRCh37 (hg19) VCF-style: chr12-52200526-C-G.
Other names: c.5133C>G, p.Ile1711Met (NM_001177984.3, NM_001369788.1); c.5256C>G, p.Ile1752Met (NM_014191.4); short protein forms I1711M, I1752M.
Identifiers: ClinVar variation 1803506 (VCV001803506.2), dbSNP rs2540334556, ClinGen allele CA384884987.